The following is an entry in ClinVar:

NM_001289080.2(CNTN6):c.225T>G (p.Tyr75Ter)

Gene: CNTN6 (contactin 6; plus strand). Cytogenetic location: 3p26.3.
Variant type: single nucleotide variant.
Coding change: c.225T>G on transcript NM_001289080.2 (MANE Select); coding-DNA position 225, T replaced by G.
Protein change: p.Tyr75Ter; replaces tyrosine 75 with a stop codon.
Molecular consequence: nonsense. On other transcripts: 5 prime UTR variant (4).
Genome position (GRCh38, 1-based): chr3:1,227,860, T>G. VCF-style: chr3-1227860-T-G. GRCh37 (hg19) VCF-style: chr3-1269544-T-G.
Other names: c.9T>G, p.Tyr3Ter (NM_001289081.2); c.225T>G, p.Tyr75Ter (NM_001349350.2, NM_001349351.2, NM_001349352.2 and 7 more transcripts); c.-713T>G (NM_001349359.2); c.-591T>G (NM_001349360.2); c.-893T>G (NM_001349361.2); c.-795T>G (NM_001349362.2); short protein forms Y3*, Y75*.
Identifiers: ClinVar variation 3354454 (VCV003354454.1).

ClinVar aggregate classification (germline): Uncertain significance (0 of 4 stars; one submission).

Conditions:
CNTN6-related disorder. Also called: CNTN6-related condition.

Submission:

PreventionGenetics, part of Exact Sciences
Classification: Uncertain significance for CNTN6-related condition. Last evaluated: 2024-08-21. Review status: no assertion criteria provided. Collection method: clinical testing. Allele origin: germline.
Comment: The CNTN6 c.225T>G variant is predicted to result in premature protein termination (p.Tyr75*). To our knowledge, this variant has not been reported in the literature or in a large population database, indicating this variant is rare. At this time, the clinical significance of this variant is uncertain due to the absence of conclusive functional and genetic evidence.